The following is an entry in ClinVar:

ClinVar aggregate classification (germline): Uncertain significance (1 of 4 stars; one submission).

Conditions:
Hereditary cancer-predisposing syndrome. Also called: Tumor predisposition; Hereditary Cancer Syndrome; Hereditary neoplastic syndrome; Neoplastic Syndromes, Hereditary. Identifiers: Orphanet 140162, MedGen C0027672, MeSH D009386, MONDO:0015356.

Submission:

Ambry Genetics
Classification: Uncertain significance for Hereditary cancer-predisposing syndrome. Last evaluated: 2023-08-25. Review status: criteria provided, single submitter. Criteria: Ambry Variant Classification Scheme 2023. Collection method: clinical testing. Allele origin: germline.
Comment: The p.A68E variant (also known as c.203C>A), located in coding exon 2 of the CTNNA1 gene, results from a C to A substitution at nucleotide position 203. The alanine at codon 68 is replaced by glutamic acid, an amino acid with dissimilar properties. This amino acid position is conserved. In addition, this alteration is predicted to be deleterious by in silico analysis. Since supporting evidence is limited at this time, the clinical significance of this alteration remains unclear.

NM_001903.5(CTNNA1):c.203C>A (p.Ala68Glu)

Gene: CTNNA1 (catenin alpha 1; plus strand). Cytogenetic location: 5q31.2.
Variant type: single nucleotide variant.
Coding change: c.203C>A on transcript NM_001903.5 (MANE Select); coding-DNA position 203, C replaced by A.
Protein change: p.Ala68Glu; replaces alanine 68 with glutamic acid.
Molecular consequence: missense variant. On other transcripts: splice donor variant (1), intron variant (1).
Genome position (GRCh38, 1-based): chr5:138,783,274, C>A. VCF-style: chr5-138783274-C-A. GRCh37 (hg19) VCF-style: chr5-138118963-C-A.
Other names: c.203C>A, p.Ala68Glu (NM_001290307.3, NM_001323982.2, NM_001323983.1 and 3 more transcripts); c.-6+2C>A (NM_001290310.3); c.-9+1245C>A (NM_001290309.3); short protein forms A68E.
Identifiers: ClinVar variation 2625482 (VCV002625482.2), dbSNP rs2149656532, ClinGen allele CA361477465.